The following is an entry in ClinVar:

NM_000080.4(CHRNE):c.1180G>T (p.Val394Leu)

Genes: CHRNE (cholinergic receptor nicotinic epsilon subunit; minus strand), LOC130060040 (ATAC-STARR-seq lymphoblastoid silent region 8049; plus strand). Cytogenetic location: 17p13.2.
Variant type: single nucleotide variant.
Coding change: c.1180G>T on transcript NM_000080.4 (MANE Select); coding-DNA position 1180, G replaced by T.
Protein change: p.Val394Leu; replaces valine 394 with leucine.
Molecular consequence: missense variant.
Genome position (GRCh38, 1-based): chr17:4,899,237, C>A on the plus strand (G>T on the coding strand, the complement: CHRNE is on the minus strand). VCF-style: chr17-4899237-C-A. GRCh37 (hg19) VCF-style: chr17-4802532-C-A.
Other names: short protein forms V394L.
Identifiers: ClinVar variation 847037 (VCV000847037.9), dbSNP rs772486503, ClinGen allele CA8313988.

ClinVar aggregate classification (germline): Uncertain significance. Review status: criteria provided, single submitter (1 of 4 stars). 2 submissions from 2 submitters: Uncertain significance (1). 1 of the submissions does not count toward it. Last evaluated 2025-11-13.

Conditions:
Congenital myasthenic syndrome 4A. Also called: Myasthenic syndrome, congenital, 4a, slow-channel; CONGENITAL MYASTHENIC SYNDROME TYPE Ia1; MYASTHENIC SYNDROME, CONGENITAL, 4A, SLOW-CHANNEL, AUTOSOMAL RECESSIVE. Identifiers: Orphanet 590, MedGen C4225413, MONDO:0011600, OMIM 605809.
Congenital myasthenic syndrome (CMS). Also called: Congenital Myasthenic Syndromes. Identifiers: Orphanet 590, MedGen C0751882, MeSH D020294, MONDO:0018940.

gnomAD v4.1: 13 of 1,607,090 alleles (0.00081%); highest among the groups gnomAD compares: African/African-American, 0.0013%; no homozygotes.

Submissions (2):

Labcorp Genetics (formerly Invitae), Labcorp
Classification: Uncertain significance for Congenital myasthenic syndrome 4A. Last evaluated: 2025-11-13. Review status: criteria provided, single submitter. Criteria: Invitae Variant Classification Sherloc (09022015). Collection method: clinical testing. Allele origin: germline.
Comment: This sequence change replaces valine, which is neutral and non-polar, with leucine, which is neutral and non-polar, at codon 394 of the CHRNE protein (p.Val394Leu). The frequency data for this variant in the population databases is considered unreliable, as metrics indicate poor data quality at this position in the gnomAD database. This variant has not been reported in the literature in individuals affected with CHRNE-related conditions. ClinVar contains an entry for this variant (Variation ID: 847037). Invitae Evidence Modeling of protein sequence and biophysical properties (such as structural, functional, and spatial information, amino acid conservation, physicochemical variation, residue mobility, and thermodynamic stability) indicates that this missense variant is not expected to disrupt CHRNE protein function with a negative predictive value of 95%. In summary, the available evidence is currently insufficient to determine the role of this variant in disease. Therefore, it has been classified as a Variant of Uncertain Significance.

Natera, Inc.
Classification: Uncertain significance for Congenital myasthenic syndrome. Last evaluated: 2020-01-17. Review status: no assertion criteria provided. Collection method: clinical testing. Allele origin: germline. Not counted in ClinVar's aggregate classification.